The following is an entry in ClinVar:

NM_006939.4(SOS2):c.1022T>C (p.Met341Thr)

Gene: SOS2 (SOS Ras/Rho guanine nucleotide exchange factor 2; minus strand). Cytogenetic location: 14q21.3.
Variant type: single nucleotide variant.
Coding change: c.1022T>C on transcript NM_006939.4 (MANE Select); coding-DNA position 1022, T replaced by C.
Protein change: p.Met341Thr; replaces methionine 341 with threonine.
Molecular consequence: missense variant. On other transcripts: intron variant (1).
Genome position (GRCh38, 1-based): chr14:50,174,500, A>G on the plus strand (T>C on the coding strand, the complement: SOS2 is on the minus strand). VCF-style: chr14-50174500-A-G. GRCh37 (hg19) VCF-style: chr14-50641218-A-G.
Other names: c.969+6072T>C (NM_001411020.1); short protein forms M341T.
Identifiers: ClinVar variation 2412911 (VCV002412911.43), dbSNP rs1885463506, ClinGen allele CA389646773.

ClinVar aggregate classification (germline): Uncertain significance. Review status: criteria provided, multiple submitters, no conflicts (2 of 4 stars). 2 submissions from 2 submitters: Uncertain significance (2). Last evaluated 2023-05-26.

Conditions:
Noonan syndrome 9 (NS9). Identifiers: Orphanet 648, MedGen C4225282, MONDO:0014691, OMIM 616559.

Allele frequency attached by ClinVar (database versions not stated): gnomAD exomes below 0.00001; gnomAD 0.00001.
gnomAD v4.1: 4 of 1,611,220 alleles (0.00025%); highest among the groups gnomAD compares: South Asian, 0.0011%; no homozygotes.

Submissions (2):

Labcorp Genetics (formerly Invitae), Labcorp
Classification: Uncertain significance for Noonan syndrome 9. Last evaluated: 2023-05-26. Review status: criteria provided, single submitter. Criteria: Invitae Variant Classification Sherloc (09022015). Collection method: clinical testing. Allele origin: germline.
Comment: This sequence change replaces methionine, which is neutral and non-polar, with threonine, which is neutral and polar, at codon 341 of the SOS2 protein (p.Met341Thr). This variant is not present in population databases (gnomAD no frequency). This variant has not been reported in the literature in individuals affected with SOS2-related conditions. ClinVar contains an entry for this variant (Variation ID: 2412911). Advanced modeling of protein sequence and biophysical properties (such as structural, functional, and spatial information, amino acid conservation, physicochemical variation, residue mobility, and thermodynamic stability) performed at Invitae indicates that this missense variant is expected to disrupt SOS2 protein function. In summary, the available evidence is currently insufficient to determine the role of this variant in disease. Therefore, it has been classified as a Variant of Uncertain Significance.

GeneDx
Classification: Uncertain significance. Last evaluated: 2023-01-27. Review status: criteria provided, single submitter. Criteria: GeneDx Variant Classification Process June 2021. Collection method: clinical testing. Allele origin: germline. Affected: yes.
Comment: Not observed at significant frequency in large population cohorts (gnomAD); In silico analysis supports that this missense variant has a deleterious effect on protein structure/function; Has not been previously published as pathogenic or benign to our knowledge